The following is an entry in ClinVar:

ClinVar aggregate classification (germline): Uncertain significance (1 of 4 stars; one submission).

Submission:

Labcorp Genetics (formerly Invitae), Labcorp
Classification: Uncertain significance. Last evaluated: 2023-07-20. Review status: criteria provided, single submitter. Criteria: Invitae Variant Classification Sherloc (09022015). Collection method: clinical testing. Allele origin: germline.
Comment: This variant is not present in population databases (gnomAD no frequency). This variant has not been reported in the literature in individuals affected with FCHO1-related conditions. This sequence change replaces glutamic acid, which is acidic and polar, with glutamine, which is neutral and polar, at codon 87 of the FCHO1 protein (p.Glu87Gln). An algorithm developed to predict the effect of missense changes on protein structure and function (PolyPhen-2) suggests that this variant is likely to be disruptive. In summary, the available evidence is currently insufficient to determine the role of this variant in disease. Therefore, it has been classified as a Variant of Uncertain Significance.

NM_015122.3(FCHO1):c.259G>C (p.Glu87Gln)

Gene: FCHO1 (FCH and mu domain containing endocytic adaptor 1; plus strand). Cytogenetic location: 19p13.11.
Variant type: single nucleotide variant.
Coding change: c.259G>C on transcript NM_015122.3 (MANE Select); coding-DNA position 259, G replaced by C.
Protein change: p.Glu87Gln; replaces glutamic acid 87 with glutamine.
Molecular consequence: missense variant. On other transcripts: non-coding transcript variant (34).
Genome position (GRCh38, 1-based): chr19:17,766,733, G>C. VCF-style: chr19-17766733-G-C. GRCh37 (hg19) VCF-style: chr19-17877542-G-C.
Other names: c.259G>C, p.Glu87Gln (NM_001161357.2, NM_001161358.2, NM_001384370.1 and 29 more transcripts); c.109G>C, p.Glu37Gln (NM_001161359.2, NM_001384384.1, NM_001384385.1 and 3 more transcripts); c.184G>C, p.Glu62Gln (NM_001384390.1); short protein forms E87Q, E37Q, E62Q.
Identifiers: ClinVar variation 2745581 (VCV002745581.3), dbSNP rs2513366276, ClinGen allele CA404748219.
Genomic context (GRCh38, chr19:17,766,733, plus strand): 5'-TTCGCCCCGCTCTGGGAGGTCTTCCGCGTCTCCTCGGACAAGCTGGCGCTGTGCCACCTG[G>C]AACTGACACGGAAGTTACAGGATCTCATCAAGGACGTTCTCCGCTACGGCGAGGAACAGC-3'
Protein context (NP_055937.1, residues 77-97): SSDKLALCHL[Glu87Gln]LTRKLQDLIK